The following is an entry in ClinVar:

NC_000002.12:g.(?_32143325)_(32147268_?)del

Gene: SPAST (spastin; plus strand). Cytogenetic location: 2p22.3.
Variant type: Deletion.
Identifiers: ClinVar variation 830778 (VCV000830778.3).

ClinVar aggregate classification (germline): Pathogenic (1 of 4 stars; one submission).

Conditions:
Hereditary spastic paraplegia 4. Also called: Spastic paraplegia 4, autosomal dominant; Spastic Paraplegia 4; Familial spastic paraplegia autosomal dominant 2. Identifiers: Orphanet 100985, MedGen C1866855, MONDO:0008438, OMIM 182601.

Submission:

Labcorp Genetics (formerly Invitae), Labcorp
Classification: Pathogenic for Hereditary spastic paraplegia 4. Last evaluated: 2020-02-24. Review status: criteria provided, single submitter. Criteria: Invitae Variant Classification Sherloc (09022015). Collection method: clinical testing. Allele origin: germline.
Comment: A similar deletion of exons 14-16 has been observed in individuals affected with hereditary spastic paraplegia (PMID: 22203332, Invitae). For these reasons, this variant has been classified as Pathogenic. This variant disrupts the p.Arg562 amino acid residue in SPAST. Other variant(s) that disrupt this residue have been determined to be pathogenic (PMID: 11843700, 15248095, 17971434, 19423133, 25326637, 27334366). This suggests that this residue is clinically significant, and that variants that disrupt this residue are likely to be disease-causing. This variant is an in-frame deletion of the genomic region encompassing exons 14-16 of the SPAST gene. It preserves the integrity of the reading frame.

Literature cited by the submitters: PubMed 22203332; PubMed 11843700; PubMed 15248095; PubMed 17971434; PubMed 19423133; PubMed 25326637; PubMed 27334366.